The following is an entry in ClinVar:

NM_007186.6(CEP250):c.1980G>T (p.Lys660Asn)

Genes: CEP250 (centrosomal protein 250; plus strand), CEP250-AS1 (CEP250 antisense RNA 1; minus strand). Cytogenetic location: 20q11.22.
Variant type: single nucleotide variant.
Coding change: c.1980G>T on transcript NM_007186.6 (MANE Select); coding-DNA position 1980, G replaced by T.
Protein change: p.Lys660Asn; replaces lysine 660 with asparagine.
Molecular consequence: missense variant.
Genome position (GRCh38, 1-based): chr20:35,477,987, G>T. VCF-style: chr20-35477987-G-T. GRCh37 (hg19) VCF-style: chr20-34065812-G-T.
Other names: c.84G>T, p.Lys28Asn (NM_001318219.1); short protein forms K28N, K660N.
Identifiers: ClinVar variation 1059138 (VCV001059138.4), dbSNP rs753576216, ClinGen allele CA9833079.

ClinVar aggregate classification (germline): Uncertain significance (1 of 4 stars; one submission).

Allele frequency attached by ClinVar (database versions not stated): gnomAD 0.00003; gnomAD exomes 0.00005 and 0.00011; TOPMed 0.00005; ExAC 0.00010.
gnomAD v4.1: 36 of 1,613,826 alleles (0.0022%); highest among the groups gnomAD compares: Admixed American, 0.053%; no homozygotes.

Submission:

Labcorp Genetics (formerly Invitae), Labcorp
Classification: Uncertain significance. Last evaluated: 2022-06-20. Review status: criteria provided, single submitter. Criteria: Invitae Variant Classification Sherloc (09022015). Collection method: clinical testing. Allele origin: germline.
Comment: This sequence change replaces lysine, which is basic and polar, with asparagine, which is neutral and polar, at codon 660 of the CEP250 protein (p.Lys660Asn). This variant is present in population databases (rs753576216, gnomAD 0.08%). This variant has not been reported in the literature in individuals affected with CEP250-related conditions. ClinVar contains an entry for this variant (Variation ID: 1059138). Algorithms developed to predict the effect of missense changes on protein structure and function are either unavailable or do not agree on the potential impact of this missense change (SIFT: "Not Available"; PolyPhen-2: "Benign"; Align-GVGD: "Not Available"). In summary, the available evidence is currently insufficient to determine the role of this variant in disease. Therefore, it has been classified as a Variant of Uncertain Significance.